The following is an entry in ClinVar:

NM_016151.4(TAOK2):c.359A>T (p.Lys120Met)

Gene: TAOK2 (TAO kinase 2; plus strand). Cytogenetic location: 16p11.2.
Variant type: single nucleotide variant.
Coding change: c.359A>T on transcript NM_016151.4 (MANE Select); coding-DNA position 359, A replaced by T.
Protein change: p.Lys120Met; replaces lysine 120 with methionine.
Molecular consequence: missense variant.
Genome position (GRCh38, 1-based): chr16:29,978,980, A>T. VCF-style: chr16-29978980-A-T. GRCh37 (hg19) VCF-style: chr16-29990301-A-T.
Other names: c.359A>T, p.Lys120Met (NM_001252043.2, NM_004783.4); short protein forms K120M.
Identifiers: ClinVar variation 3646388 (VCV003646388.2).

ClinVar aggregate classification (germline): Uncertain significance (1 of 4 stars; one submission).

gnomAD v4.1: 1 of 1,614,170 alleles (0.000062%); highest among the groups gnomAD compares: Non-Finnish European, 0.000085%; no homozygotes.

Submission:

Labcorp Genetics (formerly Invitae), Labcorp
Classification: Uncertain significance. Last evaluated: 2024-03-16. Review status: criteria provided, single submitter. Criteria: Invitae Variant Classification Sherloc (09022015). Collection method: clinical testing. Allele origin: germline.
Comment: This sequence change replaces lysine, which is basic and polar, with methionine, which is neutral and non-polar, at codon 120 of the TAOK2 protein (p.Lys120Met). This variant is not present in population databases (gnomAD no frequency). This variant has not been reported in the literature in individuals affected with TAOK2-related conditions. An algorithm developed to predict the effect of missense changes on protein structure and function (PolyPhen-2) suggests that this variant is likely to be disruptive. In summary, the available evidence is currently insufficient to determine the role of this variant in disease. Therefore, it has been classified as a Variant of Uncertain Significance.